The following is an entry in ClinVar:

ClinVar aggregate classification (germline): Pathogenic. Review status: criteria provided, multiple submitters, no conflicts (2 of 4 stars). 2 submissions from 2 submitters: Pathogenic (2). Last evaluated 2025-07-15.

Conditions:
X-linked Emery-Dreifuss muscular dystrophy. Also called: Muscular dystrophy, tardive Emery-Dreifuss type, with contractures. Identifiers: Orphanet 261, Orphanet 98863, MedGen C0751337, MONDO:0010680.

Submissions (2):

Labcorp Genetics (formerly Invitae), Labcorp
Classification: Pathogenic for X-linked Emery-Dreifuss muscular dystrophy. Last evaluated: 2025-07-15. Review status: criteria provided, single submitter. Criteria: Invitae Variant Classification Sherloc (09022015). Collection method: clinical testing. Allele origin: germline.
Comment: This sequence change creates a premature translational stop signal (p.Pro208Leufs*29) in the EMD gene. While this is not anticipated to result in nonsense mediated decay, it is expected to disrupt the last 47 amino acid(s) of the EMD protein. This variant is not present in population databases (gnomAD no frequency). This premature translational stop signal has been observed in individual(s) with Emery-Dreifuss muscular dystrophy (PMID: 8595407, 9195226). It has also been observed to segregate with disease in related individuals. This variant is also known as "delG at nucleotide position 1679". ClinVar contains an entry for this variant (Variation ID: 433171). This variant disrupts a region of the EMD protein in which other variant(s) (p.Trp226*) have been determined to be pathogenic (PMID: 8589715, 15967842). This suggests that this is a clinically significant region of the protein, and that variants that disrupt it are likely to be disease-causing. For these reasons, this variant has been classified as Pathogenic.

Molecular Diagnostics Lab, Nemours Children's Health, Delaware
Classification: Pathogenic. Last evaluated: 2016-07-19. Review status: criteria provided, single submitter. Criteria: ACMG Guidelines, 2015. Collection method: clinical testing. Allele origin: unknown. Affected: yes and no. Observed: 2 heterozygotes, 2 hemizygotes.

Literature cited by the submitters: PubMed 8595407 (cited by Labcorp Genetics (formerly Invitae), Labcorp and Molecular Diagnostics Lab, Nemours Children's Health, Delaware); PubMed 9195226 (cited by Labcorp Genetics (formerly Invitae), Labcorp); PubMed 8589715 (cited by Labcorp Genetics (formerly Invitae), Labcorp); PubMed 15967842 (cited by Labcorp Genetics (formerly Invitae), Labcorp).

NM_000117.3(EMD):c.621del (p.Pro208fs)

Gene: EMD (emerin; plus strand). Cytogenetic location: Xq28.
Variant type: Deletion.
Coding change: c.621del on transcript NM_000117.3 (MANE Select); coding-DNA position 621, one base deleted (G; older notation c.621delG).
Protein change: p.Pro208fs; shifts the reading frame from proline 208.
Molecular consequence: frameshift variant.
Genome position (GRCh38, 1-based): chrX:154,381,053, G deleted; the last of 2 consecutive G bases (chrX:154,381,052-154,381,053); deleting either gives the same sequence. VCF-style (leftmost placement, unchanged base first): chrX-154381051-CG-C. GRCh37 (hg19) VCF-style: chrX-153609411-CG-C.
Other names: c.621delG (NM_000117.2); short protein forms P208fs.
Identifiers: ClinVar variation 433171 (VCV000433171.10), dbSNP rs1557182670, ClinGen allele CA645373324.